The following is an entry in ClinVar:

NM_205836.3(FBXO38):c.1757G>A (p.Arg586His)

Gene: FBXO38 (F-box protein 38; plus strand). Cytogenetic location: 5q32.
Variant type: single nucleotide variant.
Coding change: c.1757G>A on transcript NM_205836.3 (MANE Select); coding-DNA position 1757, G replaced by A.
Protein change: p.Arg586His; replaces arginine 586 with histidine.
Molecular consequence: missense variant.
Genome position (GRCh38, 1-based): chr5:148,425,540, G>A. VCF-style: chr5-148425540-G-A. GRCh37 (hg19) VCF-style: chr5-147805103-G-A.
Other names: c.1757G>A, p.Arg586His (NM_001271723.2, NM_030793.5); short protein forms R586H.
Identifiers: ClinVar variation 1365448 (VCV001365448.8), dbSNP rs369833842, ClinGen allele CA3497378.

ClinVar aggregate classification (germline): Uncertain significance (1 of 4 stars; one submission).

Conditions:
Distal hereditary motor neuropathy type 2. Identifiers: Orphanet 139525, MedGen C3711384, MeSH C580044, MONDO:0015352.

Allele frequency attached by ClinVar (database versions not stated): gnomAD 0.00001; gnomAD exomes 0.00001; ExAC 0.00002.
gnomAD v4.1: 31 of 1,613,216 alleles (0.0019%); highest among the groups gnomAD compares: African/African-American, 0.008%; no homozygotes.

Submission:

Labcorp Genetics (formerly Invitae), Labcorp
Classification: Uncertain significance for Distal hereditary motor neuropathy type 2. Last evaluated: 2024-11-19. Review status: criteria provided, single submitter. Criteria: Invitae Variant Classification Sherloc (09022015). Collection method: clinical testing. Allele origin: germline.
Comment: This sequence change replaces arginine, which is basic and polar, with histidine, which is basic and polar, at codon 586 of the FBXO38 protein (p.Arg586His). This variant is present in population databases (rs369833842, gnomAD 0.008%). This variant has not been reported in the literature in individuals affected with FBXO38-related conditions. ClinVar contains an entry for this variant (Variation ID: 1365448). Invitae Evidence Modeling of protein sequence and biophysical properties (such as structural, functional, and spatial information, amino acid conservation, physicochemical variation, residue mobility, and thermodynamic stability) indicates that this missense variant is not expected to disrupt FBXO38 protein function with a negative predictive value of 80%. In summary, the available evidence is currently insufficient to determine the role of this variant in disease. Therefore, it has been classified as a Variant of Uncertain Significance.